The following is an entry in ClinVar:

NM_000548.5(TSC2):c.4678G>T (p.Ala1560Ser)

Gene: TSC2 (TSC complex subunit 2; plus strand). Cytogenetic location: 16p13.3.
Variant type: single nucleotide variant.
Coding change: c.4678G>T on transcript NM_000548.5 (MANE Select); coding-DNA position 4678, G replaced by T.
Protein change: p.Ala1560Ser; replaces alanine 1560 with serine.
Molecular consequence: missense variant.
Genome position (GRCh38, 1-based): chr16:2,086,208, G>T. VCF-style: chr16-2086208-G-T. GRCh37 (hg19) VCF-style: chr16-2136209-G-T.
Other names: c.4477G>T, p.Ala1493Ser (NM_001077183.3); c.4609G>T, p.Ala1537Ser (NM_001114382.3); c.4369G>T, p.Ala1457Ser (NM_001318827.2); c.4333G>T, p.Ala1445Ser (NM_001318829.2); c.3946G>T, p.Ala1316Ser (NM_001318831.2); c.4510G>T, p.Ala1504Ser (NM_001318832.2); c.4480G>T, p.Ala1494Ser (NM_001363528.2); c.4546G>T, p.Ala1516Ser (NM_001370404.1); and 1 more; short protein forms A1445S, A1494S, A1504S, A1537S, A1560S, A1316S, A1457S, A1493S.
Identifiers: ClinVar variation 639107 (VCV000639107.8), dbSNP rs777539610, ClinGen allele CA394306995.
Genomic context (GRCh38, chr16:2,086,208, plus strand): 5'-CCGGCCCGGGAGTGATGCCACCCTGCCTCTCCCCTCTCCCCACAGAGCAACAGCGAGCTC[G>T]CCATCCTGTCCAATGAGCATGGCTCCTACAGGTACACGGAGTTCCTGACGGGCCTGGGCC-3'
Protein context (NP_000539.2, residues 1550-1570): VGEGQSNSEL[Ala1560Ser]ILSNEHGSYR

ClinVar aggregate classification (germline): Uncertain significance (1 of 4 stars; one submission).

Conditions:
Tuberous sclerosis 2 (TSC2). Identifiers: Orphanet 805, MedGen C1860707, MONDO:0013199, OMIM 613254.

Submission:

Labcorp Genetics (formerly Invitae), Labcorp
Classification: Uncertain significance for Tuberous sclerosis 2. Last evaluated: 2023-04-27. Review status: criteria provided, single submitter. Criteria: Invitae Variant Classification Sherloc (09022015). Collection method: clinical testing. Allele origin: germline.
Comment: In summary, the available evidence is currently insufficient to determine the role of this variant in disease. Therefore, it has been classified as a Variant of Uncertain Significance. Advanced modeling of protein sequence and biophysical properties (such as structural, functional, and spatial information, amino acid conservation, physicochemical variation, residue mobility, and thermodynamic stability) performed at Invitae indicates that this missense variant is not expected to disrupt TSC2 protein function. ClinVar contains an entry for this variant (Variation ID: 639107). This variant has not been reported in the literature in individuals affected with TSC2-related conditions. This variant is not present in population databases (gnomAD no frequency). This sequence change replaces alanine, which is neutral and non-polar, with serine, which is neutral and polar, at codon 1560 of the TSC2 protein (p.Ala1560Ser).